The following is an entry in ClinVar:

NM_015443.4(KANSL1):c.876T>G (p.Ala292=)

Gene: KANSL1 (KAT8 regulatory NSL complex subunit 1). Cytogenetic location: 17q21.31.
Variant type: single nucleotide variant.
Coding change: c.876T>G on transcript NM_015443.4 (MANE Select); coding-DNA position 876, T replaced by G.
Protein change: p.Ala292=; no amino-acid change (alanine 292 retained).
Molecular consequence: synonymous variant.
Genome position (GRCh38, 1-based): chr17:46,171,268, A>C on the plus strand (T>G on the coding strand, the complement: KANSL1 is on the minus strand). VCF-style: chr17-46171268-A-C. GRCh37 (hg19) VCF-style: chr17-44248634-A-C.
Other names: c.876T>G, p.Ala292= (NM_001193465.2, NM_001193466.2, NM_001379198.1).
Identifiers: ClinVar variation 385068 (VCV000385068.1), dbSNP rs1057522110, ClinGen allele CA16607711.

ClinVar aggregate classification (germline): Likely benign (1 of 4 stars; one submission).

Submission:

GeneDx
Classification: Likely benign. Last evaluated: 2016-03-31. Review status: criteria provided, single submitter. Criteria: GeneDx Variant Classification (06012015). Collection method: clinical testing. Allele origin: germline. Affected: yes.
Comment: This variant is considered likely benign or benign based on one or more of the following criteria: it is a conservative change, it occurs at a poorly conserved position in the protein, it is predicted to be benign by multiple in silico algorithms, and/or has population frequency not consistent with disease.